The following is an entry in ClinVar:

ClinVar aggregate classification (germline): Uncertain significance. Review status: criteria provided, multiple submitters, no conflicts (2 of 4 stars). 2 submissions from 2 submitters: Uncertain significance (2). Last evaluated 2025-05-05.

Conditions:
Inborn genetic diseases. Identifiers: MedGen C0950123, MeSH D030342.
KBG syndrome (KBGS). Also called: ANKRD11-Related KBG Syndrome. Identifiers: Orphanet 2332, MedGen C0220687, MONDO:0007846, OMIM 148050.

Allele frequency attached by ClinVar (database versions not stated): gnomAD 0.00001.
gnomAD v4.1: 10 of 1,558,674 alleles (0.00064%); highest among the groups gnomAD compares: South Asian, 0.0035%; no homozygotes.

Submissions (2):

Labcorp Genetics (formerly Invitae), Labcorp
Classification: Uncertain significance for KBG syndrome. Last evaluated: 2025-05-05. Review status: criteria provided, single submitter. Criteria: Invitae Variant Classification Sherloc (09022015). Collection method: clinical testing. Allele origin: germline.
Comment: This sequence change replaces proline, which is neutral and non-polar, with leucine, which is neutral and non-polar, at codon 2227 of the ANKRD11 protein (p.Pro2227Leu). The frequency data for this variant in the population databases is considered unreliable, as metrics indicate poor data quality at this position in the gnomAD database. This variant has not been reported in the literature in individuals affected with ANKRD11-related conditions. ClinVar contains an entry for this variant (Variation ID: 1904102). Invitae Evidence Modeling of protein sequence and biophysical properties (such as structural, functional, and spatial information, amino acid conservation, physicochemical variation, residue mobility, and thermodynamic stability) indicates that this missense variant is not expected to disrupt ANKRD11 protein function with a negative predictive value of 95%. In summary, the available evidence is currently insufficient to determine the role of this variant in disease. Therefore, it has been classified as a Variant of Uncertain Significance.

Ambry Genetics
Classification: Uncertain significance for Inborn genetic diseases. Last evaluated: 2025-01-17. Review status: criteria provided, single submitter. Criteria: Ambry Variant Classification Scheme 2023. Collection method: clinical testing. Allele origin: germline.

NM_013275.6(ANKRD11):c.6680C>T (p.Pro2227Leu)

Gene: ANKRD11 (ankyrin repeat domain 11; minus strand). Cytogenetic location: 16q24.3.
Variant type: single nucleotide variant.
Coding change: c.6680C>T on transcript NM_013275.6 (MANE Select); coding-DNA position 6680, C replaced by T.
Protein change: p.Pro2227Leu; replaces proline 2227 with leucine.
Molecular consequence: missense variant.
Genome position (GRCh38, 1-based): chr16:89,279,862, G>A on the plus strand (C>T on the coding strand, the complement: ANKRD11 is on the minus strand). VCF-style: chr16-89279862-G-A. GRCh37 (hg19) VCF-style: chr16-89346270-G-A.
Other names: c.6680C>T, p.Pro2227Leu (NM_001256182.2, NM_001256183.2); c.6680C>T (NM_013275.4); short protein forms P2227L.
Identifiers: ClinVar variation 1904102 (VCV001904102.4), dbSNP rs764885268, ClinGen allele CA8241368.
Genomic context (GRCh38, chr16:89,279,862, plus strand): 5'-TCTGGGGGAACGGGCGCGGGCTCCACGCTGGAGTCCGGATCCCCACGGGCCCTCTCTTCC[G>A]GCACCGTCTCCGCCTCCACCGCAGCTTCTAGAGCCACGTCCAGCTTTGGCTCCCCTGAGG-3'
Protein context (NP_037407.4, residues 2217-2237): LEAAVEAETV[Pro2227Leu]EERARGDPDS